The following is an entry in ClinVar:

NM_003076.5(SMARCD1):c.167C>G (p.Ala56Gly)

Genes: SMARCD1 (SWI/SNF related BAF chromatin remodeling complex subunit D1; plus strand), LOC130007872 (ATAC-STARR-seq lymphoblastoid silent region 4446; plus strand). Cytogenetic location: 12q13.12.
Variant type: single nucleotide variant.
Coding change: c.167C>G on transcript NM_003076.5 (MANE Select); coding-DNA position 167, C replaced by G.
Protein change: p.Ala56Gly; replaces alanine 56 with glycine.
Molecular consequence: missense variant.
Genome position (GRCh38, 1-based): chr12:50,085,536, C>G. VCF-style: chr12-50085536-C-G. GRCh37 (hg19) VCF-style: chr12-50479319-C-G.
Other names: c.167C>G, p.Ala56Gly (NM_139071.3); short protein forms A56G.
Identifiers: ClinVar variation 1349203 (VCV001349203.6), dbSNP rs1344323730, ClinGen allele CA384786298.
Genomic context (GRCh38, chr12:50,085,536, plus strand): 5'-CTCCTGTGCGAATGGGCCCGGCTCCGGGTCAAGGGCTGTACCGCTCCCCGATGCCCGGAG[C>G]GGCCTATCCGGTGAGTGGGGCAGGAGGAGGGGCGCGCGGGCCGGGGGCGGGGCCGAGCGG-3'
Protein context (NP_003067.3, residues 46-66): QGLYRSPMPG[Ala56Gly]AYPRPGMLPG

ClinVar aggregate classification (germline): Uncertain significance (1 of 4 stars; one submission).

Allele frequency attached by ClinVar (database versions not stated): gnomAD exomes below 0.00001; gnomAD 0.00001; TOPMed 0.00001.
gnomAD v4.1: 5 of 1,232,180 alleles (0.00041%); highest among the groups gnomAD compares: Admixed American, 0.021%; no homozygotes.

Submission:

Labcorp Genetics (formerly Invitae), Labcorp
Classification: Uncertain significance. Last evaluated: 2021-05-03. Review status: criteria provided, single submitter. Criteria: Invitae Variant Classification Sherloc (09022015). Collection method: clinical testing. Allele origin: germline.
Comment: This sequence change replaces alanine with glycine at codon 56 of the SMARCD1 protein (p.Ala56Gly). The alanine residue is moderately conserved and there is a small physicochemical difference between alanine and glycine. The frequency data for this variant in the population databases is considered unreliable, as metrics indicate insufficient coverage at this position in the ExAC database. This variant has not been reported in the literature in individuals with SMARCD1-related conditions. Algorithms developed to predict the effect of missense changes on protein structure and function (SIFT, PolyPhen-2, Align-GVGD) all suggest that this variant is likely to be tolerated, but these predictions have not been confirmed by published functional studies and their clinical significance is uncertain. In summary, the available evidence is currently insufficient to determine the role of this variant in disease. Therefore, it has been classified as a Variant of Uncertain Significance.